The following is an entry in ClinVar:

ClinVar aggregate classification (germline): Benign. Review status: criteria provided, multiple submitters, no conflicts (2 of 4 stars). 4 submissions from 3 submitters: Benign (4). Last evaluated 2018-01-13.

Conditions:
Naxos disease (NXD). Also called: KERATOSIS PALMOPLANTARIS WITH ARRHYTHMOGENIC CARDIOMYOPATHY; MAL DE NAXOS; PALMOPLANTAR KERATODERMA WITH ARRHYTHMOGENIC RIGHT VENTRICULAR CARDIOMYOPATHY AND WOOLLY HAIR; WOOLLY HAIR, PALMOPLANTAR KERATODERMA, AND CARDIAC ABNORMALITIES; CARDIOMYOPATHY, ARRHYTHMOGENIC RIGHT VENTRICULAR, WITH SKIN, HAIR, AND NAIL ABNORMALITIES. Identifiers: Orphanet 34217, MedGen C1832600, MONDO:0011017, OMIM 601214.
Arrhythmogenic right ventricular dysplasia 12. Also called: ARRHYTHMOGENIC RIGHT VENTRICULAR DYSPLASIA, FAMILIAL, 12. Identifiers: MedGen C1969081, MONDO:0012684, OMIM 611528.

Allele frequency attached by ClinVar (database versions not stated): 1000 Genomes Project 30x 0.65350; 1000 Genomes Project 0.65535; TOPMed 0.65631; gnomAD 0.65910 and 0.66169; gnomAD exomes 0.69697.
gnomAD v4.1: 100,933 of 152,476 alleles (66%); highest among the groups gnomAD compares: South Asian, 76%; 33,613 homozygotes.

Submissions (4):

Illumina Laboratory Services, Illumina
Classification: Benign for Naxos disease. Last evaluated: 2018-01-13. Review status: criteria provided, single submitter. Criteria: ICSL Variant Classification Criteria 13 December 2019. Collection method: clinical testing. Allele origin: germline.
Comment: This variant was observed in the ICSL laboratory as part of a predisposition screen in an ostensibly healthy population. It had not been previously curated by ICSL or reported in the Human Gene Mutation Database (HGMD: prior to June 1st, 2018), and was therefore a candidate for classification through an automated scoring system. Utilizing variant allele frequency, disease prevalence and penetrance estimates, and inheritance mode, an automated score was calculated to assess if this variant is too frequent to cause the disease. Based on the score and internal cut-off values, a variant classified as benign is not then subjected to further curation. The score for this variant resulted in a classification of benign for this disease.

Illumina Laboratory Services, Illumina
Classification: Benign for Arrhythmogenic right ventricular dysplasia 12. Last evaluated: 2018-01-13. Review status: criteria provided, single submitter. Criteria: ICSL Variant Classification Criteria 13 December 2019. Collection method: clinical testing. Allele origin: germline.
Comment: the same text as in the submission from Illumina Laboratory Services, Illumina above.

GeneDx
Classification: Benign. Last evaluated: 2015-03-03. Review status: criteria provided, single submitter. Criteria: GeneDx Variant Classification Process June 2021. Collection method: clinical testing. Allele origin: germline. Affected: yes.

Breakthrough Genomics
Classification: Benign. Review status: criteria provided, single submitter. Criteria: ACMG Guidelines, 2015. Collection method: not provided. Allele origin: germline. Inheritance: Autosomal recessive inheritance. Affected: yes.

NM_002230.4(JUP):c.-88A>G

Genes: JUP (junction plakoglobin; minus strand), LOC130060847 (ATAC-STARR-seq lymphoblastoid silent region 8499; plus strand). Cytogenetic location: 17q21.2.
Variant type: single nucleotide variant.
Coding change: c.-88A>G on transcript NM_002230.4 (MANE Select); 88 bases upstream of the start codon, A replaced by G.
Molecular consequence: 5 prime UTR variant.
Genome position (GRCh38, 1-based): chr17:41,786,667, T>C on the plus strand (A>G on the coding strand, the complement: JUP is on the minus strand). VCF-style: chr17-41786667-T-C. GRCh37 (hg19) VCF-style: chr17-39942919-T-C.
Other names: c.-110A>G (NM_001352773.2); c.-85A>G (NM_001352774.2); c.-107A>G (NM_001352775.2); c.-197A>G (NM_001352776.2); c.-88A>G (NM_021991.4).
Identifiers: ClinVar variation 323175 (VCV000323175.9), dbSNP rs4796702, ClinGen allele CA10639615.